The following is an entry in ClinVar:

ClinVar aggregate classification (germline): Pathogenic (1 of 4 stars; one submission).

Conditions:
Short-rib thoracic dysplasia 10 with or without polydactyly (SRTD10). Identifiers: Orphanet 474, MedGen C3810175, MONDO:0014284, OMIM 615630.
Retinitis pigmentosa 71 (RP71). Identifiers: Orphanet 791, MedGen C4225342, MONDO:0014618, OMIM 616394.

Submission:

Labcorp Genetics (formerly Invitae), Labcorp
Classification: Pathogenic for Retinitis pigmentosa 71; Short-rib thoracic dysplasia 10 with or without polydactyly. Last evaluated: 2022-09-07. Review status: criteria provided, single submitter. Criteria: Invitae Variant Classification Sherloc (09022015). Collection method: clinical testing. Allele origin: germline.
Comment: This sequence change creates a premature translational stop signal (p.Tyr368*) in the IFT172 gene. It is expected to result in an absent or disrupted protein product. Loss-of-function variants in IFT172 are known to be pathogenic (PMID: 24140113). This variant is not present in population databases (gnomAD no frequency). This variant has not been reported in the literature in individuals affected with IFT172-related conditions. Algorithms developed to predict the effect of sequence changes on RNA splicing suggest that this variant may disrupt the consensus splice site. For these reasons, this variant has been classified as Pathogenic.

Literature cited by the submitters: PubMed 24140113.

NM_015662.3(IFT172):c.1100_1103dup (p.Tyr368Ter)

Gene: IFT172 (intraflagellar transport 172; minus strand). Cytogenetic location: 2p23.3.
Variant type: Duplication.
Coding change: c.1100_1103dup on transcript NM_015662.3 (MANE Select); coding-DNA positions 1100 to 1103, 4 bases duplicated (GTTA; older notation c.1100_1103dupGTTA).
Protein change: p.Tyr368Ter; replaces tyrosine 368 with a stop codon.
Molecular consequence: nonsense. On other transcripts: frameshift variant (1).
Genome position (GRCh38, 1-based): chr2:27,478,059-27,478,062, TAAC duplicated on the plus strand (GTTA on the coding strand, the reverse complement: IFT172 is on the minus strand). VCF-style (leftmost placement, unchanged base first): chr2-27478058-G-GTAAC. GRCh37 (hg19) VCF-style: chr2-27700925-G-GTAAC.
Other names: c.1100_1103dup, p.Tyr368Terfs (NM_001410739.1); short protein forms Y368*.
Identifiers: ClinVar variation 2023475 (VCV002023475.4), dbSNP rs2465990477, ClinGen allele CA2580066248.